The following is an entry in ClinVar:

ClinVar aggregate classification (germline): Uncertain significance (1 of 4 stars; one submission).

Conditions:
Developmental and epileptic encephalopathy, 8 (DEE8). Also called: HYPEREKPLEXIA AND EPILEPSY. Identifiers: Orphanet 163985, Orphanet 2076, MedGen C1845102, MONDO:0010375, OMIM 300607.

Allele frequency attached by ClinVar (database versions not stated): gnomAD exomes 0.00001; TOPMed 0.00001; gnomAD 0.00002; ExAC 0.00004; ESP Exome Variant Server 0.00009.
gnomAD v4.1: 4 of 1,205,515 alleles (0.00033%); highest among the groups gnomAD compares: Non-Finnish European, 0.00045%; no homozygotes.

Submission:

Labcorp Genetics (formerly Invitae), Labcorp
Classification: Uncertain significance for Developmental and epileptic encephalopathy, 8. Last evaluated: 2024-05-09. Review status: criteria provided, single submitter. Criteria: Invitae Variant Classification Sherloc (09022015). Collection method: clinical testing. Allele origin: germline.
Comment: This sequence change replaces aspartic acid, which is acidic and polar, with valine, which is neutral and non-polar, at codon 78 of the ARHGEF9 protein (p.Asp78Val). This variant is present in population databases (rs377326713, gnomAD 0.003%), including at least one homozygous and/or hemizygous individual. This variant has not been reported in the literature in individuals affected with ARHGEF9-related conditions. ClinVar contains an entry for this variant (Variation ID: 581455). Advanced modeling of protein sequence and biophysical properties (such as structural, functional, and spatial information, amino acid conservation, physicochemical variation, residue mobility, and thermodynamic stability) performed at Invitae indicates that this missense variant is not expected to disrupt ARHGEF9 protein function with a negative predictive value of 80%. In summary, the available evidence is currently insufficient to determine the role of this variant in disease. Therefore, it has been classified as a Variant of Uncertain Significance.

NM_001353921.2(ARHGEF9):c.254A>T (p.Asp85Val)

Gene: ARHGEF9 (Cdc42 guanine nucleotide exchange factor 9; minus strand). Cytogenetic location: Xq11.1.
Variant type: single nucleotide variant.
Coding change: c.254A>T on transcript NM_001353921.2 (MANE Select); coding-DNA position 254, A replaced by T.
Protein change: p.Asp85Val; replaces aspartic acid 85 with valine.
Molecular consequence: missense variant. On other transcripts: 5 prime UTR variant (3).
Genome position (GRCh38, 1-based): chrX:63,706,406, T>A on the plus strand (A>T on the coding strand, the complement: ARHGEF9 is on the minus strand). VCF-style: chrX-63706406-T-A. GRCh37 (hg19) VCF-style: chrX-62926286-T-A.
Other names: c.74A>T, p.Asp25Val (NM_001173479.2); c.-74A>T (NM_001173480.2, NM_001369042.1); c.170A>T, p.Asp57Val (NM_001330495.2, NM_001353927.2, NM_001369033.1 and 8 more transcripts); c.254A>T, p.Asp85Val (NM_001353922.2); c.272A>T, p.Asp91Val (NM_001353923.1); c.53A>T, p.Asp18Val (NM_001353924.2, NM_001353926.2, NM_001369039.1 and 1 more transcripts); c.233A>T, p.Asp78Val (NM_001353928.2, NM_001369030.1, NM_001369031.1 and 2 more transcripts); c.-450A>T (NM_001369045.1); short protein forms D78V, D18V, D57V, D85V, D91V, D25V.
Identifiers: ClinVar variation 581455 (VCV000581455.7), dbSNP rs377326713, ClinGen allele CA10431973.